The following is an entry in ClinVar:

ClinVar aggregate classification (germline): Conflicting classifications of pathogenicity. Review status: criteria provided, conflicting classifications (1 of 4 stars). 5 submissions from 5 submitters: Uncertain significance (3); Likely benign (1). 1 of the submissions does not count toward it. Last evaluated 2023-12-18.

Conditions:
Cardiovascular phenotype. Identifiers: MedGen CN230736.
Alstrom syndrome (ALMS). Identifiers: Orphanet 64, MedGen C0268425, MONDO:0008763, OMIM 203800.

Allele frequency attached by ClinVar (database versions not stated): gnomAD exomes 0.00001 and 0.00002; ExAC 0.00005; ESP Exome Variant Server 0.00008.
gnomAD v4.1: 18 of 1,613,984 alleles (0.0011%); highest among the groups gnomAD compares: Admixed American, 0.005%; no homozygotes.

Submissions (5):

Ambry Genetics
Classification: Likely benign for Cardiovascular phenotype. Last evaluated: 2023-12-18. Review status: criteria provided, single submitter. Criteria: Ambry Variant Classification Scheme 2023. Collection method: clinical testing. Allele origin: germline.

Labcorp Genetics (formerly Invitae), Labcorp
Classification: Uncertain significance for Alstrom syndrome. Last evaluated: 2022-07-14. Review status: criteria provided, single submitter. Criteria: Invitae Variant Classification Sherloc (09022015). Collection method: clinical testing. Allele origin: germline.
Comment: This sequence change replaces proline, which is neutral and non-polar, with arginine, which is basic and polar, at codon 808 of the ALMS1 protein (p.Pro808Arg). This variant is present in population databases (rs372717861, gnomAD 0.009%). This variant has not been reported in the literature in individuals affected with ALMS1-related conditions. ClinVar contains an entry for this variant (Variation ID: 551381). Experimental studies and prediction algorithms are not available or were not evaluated, and the functional significance of this variant is currently unknown. In summary, the available evidence is currently insufficient to determine the role of this variant in disease. Therefore, it has been classified as a Variant of Uncertain Significance.

Fulgent Genetics
Classification: Uncertain significance for Alstrom syndrome. Last evaluated: 2022-02-11. Review status: criteria provided, single submitter. Criteria: ACMG Guidelines, 2015. Collection method: clinical testing. Allele origin: unknown.

Blueprint Genetics
Classification: Uncertain significance. Last evaluated: 2018-12-14. Review status: criteria provided, single submitter. Criteria: ACMG Guidelines, 2015. Collection method: clinical testing. Allele origin: germline.

Counsyl
Classification: Uncertain significance for Alstrom syndrome. Last evaluated: 2017-04-06. Review status: no assertion criteria provided. Collection method: clinical testing. Allele origin: unknown. Not counted in ClinVar's aggregate classification.

NM_001378454.1(ALMS1):c.2420C>G (p.Pro807Arg)

Gene: ALMS1 (ALMS1 centrosome and basal body associated protein; plus strand). Cytogenetic location: 2p13.1.
Variant type: single nucleotide variant.
Coding change: c.2420C>G on transcript NM_001378454.1 (MANE Select); coding-DNA position 2420, C replaced by G.
Protein change: p.Pro807Arg; replaces proline 807 with arginine.
Molecular consequence: missense variant.
Genome position (GRCh38, 1-based): chr2:73,448,947, C>G. VCF-style: chr2-73448947-C-G. GRCh37 (hg19) VCF-style: chr2-73676074-C-G.
Other names: c.2423C>G, p.Pro808Arg (NM_015120.4); short protein forms P808R, P807R.
Identifiers: ClinVar variation 551381 (VCV000551381.10), dbSNP rs372717861, ClinGen allele CA1713340.